The following is an entry in ClinVar:

NM_001375808.2(LPIN2):c.2171A>G (p.Asn724Ser)

Gene: LPIN2 (lipin 2; minus strand). Cytogenetic location: 18p11.31.
Variant type: single nucleotide variant.
Coding change: c.2171A>G on transcript NM_001375808.2 (MANE Select); coding-DNA position 2171, A replaced by G.
Protein change: p.Asn724Ser; replaces asparagine 724 with serine.
Molecular consequence: missense variant.
Genome position (GRCh38, 1-based): chr18:2,923,778, T>C on the plus strand (A>G on the coding strand, the complement: LPIN2 is on the minus strand). VCF-style: chr18-2923778-T-C. GRCh37 (hg19) VCF-style: chr18-2923776-T-C.
Other names: c.2171A>G, p.Asn724Ser (NM_001375809.1, NM_014646.2); short protein forms N724S.
Identifiers: ClinVar variation 234341 (VCV000234341.13), dbSNP rs140915714, ClinGen allele CA8872831.
Genomic context (GRCh38, chr18:2,923,778, plus strand): 5'-GTTCTTAAAGCAAGCTTCCAGCTCACCAGAGCGAGTTAACGTGGGGAGGGTACCTACTCA[T>C]TGATGGAATGGTAGAGCTTTGCTATACCCTGGTGGGTCCAGTCTTTGCCCAGCTGTGGGA-3'
Protein context (NP_001362737.1, residues 714-734): QGIAKLYHSI[Asn724Ser]ENGYKFLYCS

ClinVar aggregate classification (germline): Uncertain significance. Review status: criteria provided, multiple submitters, no conflicts (2 of 4 stars). 5 submissions from 5 submitters: Uncertain significance (5). Last evaluated 2024-09-19.

Conditions:
Autoinflammatory syndrome. Identifiers: Orphanet 93665, MedGen C3890737, MONDO:0019751.
Majeed syndrome (MJDS). Also called: CHRONIC RECURRENT MULTIFOCAL OSTEOMYELITIS 1, WITH CONGENITAL DYSERYTHROPOIETIC ANEMIA, WITH OR WITHOUT NEUTROPHILIC DERMATOSIS; LPIN2-Related Majeed Syndrome. Identifiers: Orphanet 77297, MedGen C1864997, MONDO:0012316, OMIM 609628.

Allele frequency attached by ClinVar (database versions not stated): gnomAD 0.00001; TOPMed 0.00003; ExAC 0.00005; gnomAD exomes 0.00006 and 0.00007; ESP Exome Variant Server 0.00008.

Submissions (5):

Revvity Omics, Revvity
Classification: Uncertain significance for Majeed syndrome. Last evaluated: 2024-09-19. Review status: criteria provided, single submitter. Criteria: ACMG Guidelines, 2015. Collection method: clinical testing. Allele origin: germline.

Labcorp Genetics (formerly Invitae), Labcorp
Classification: Uncertain significance for Majeed syndrome. Last evaluated: 2022-11-01. Review status: criteria provided, single submitter. Criteria: Invitae Variant Classification Sherloc (09022015). Collection method: clinical testing. Allele origin: germline.
Comment: This sequence change replaces asparagine, which is neutral and polar, with serine, which is neutral and polar, at codon 724 of the LPIN2 protein (p.Asn724Ser). This variant is present in population databases (rs140915714, gnomAD 0.01%). This variant has not been reported in the literature in individuals affected with LPIN2-related conditions. ClinVar contains an entry for this variant (Variation ID: 234341). Advanced modeling of protein sequence and biophysical properties (such as structural, functional, and spatial information, amino acid conservation, physicochemical variation, residue mobility, and thermodynamic stability) performed at Invitae indicates that this missense variant is not expected to disrupt LPIN2 protein function. Algorithms developed to predict the effect of sequence changes on RNA splicing suggest that this variant may create or strengthen a splice site. In summary, the available evidence is currently insufficient to determine the role of this variant in disease. Therefore, it has been classified as a Variant of Uncertain Significance.

Blueprint Genetics
Classification: Uncertain significance. Last evaluated: 2021-05-26. Review status: criteria provided, single submitter. Criteria: ACMG Guidelines, 2015. Collection method: clinical testing. Allele origin: germline.

Genome Diagnostics Laboratory, The Hospital for Sick Children
Classification: Uncertain significance for Autoinflammatory syndrome. Last evaluated: 2020-04-01. Review status: criteria provided, single submitter. Criteria: ACMG Guidelines, 2015. Collection method: clinical testing. Allele origin: germline. Affected: yes.

GeneDx
Classification: Uncertain significance. Last evaluated: 2016-08-05. Review status: criteria provided, single submitter. Criteria: GeneDx Variant Classification (06012015). Collection method: clinical testing. Allele origin: germline. Affected: yes.
Comment: The c.2171 A>G variant has not been published as a mutation, nor has it been reported as a benign polymorphism to our knowledge. The c.2171 A>G variant was not observed at any significant frequency in approximately 6,500 individuals of European and African American ancestry in the NHLBI Exome Sequencing Project, indicating it is not a common benign variant in these populations. The c.2171 A>G (p.Asn724Ser) variant is a conservative amino acid substitution, which is not likely to impact secondary protein structure as these residues share similar properties. However, this variant is predicted to create a strong cryptic splice donor site and occurs at a position that is conserved across species. In silico analysis is inconsistent in its predictions as to whether or not the variant is damaging to the protein structure/function. Therefore, based on the currently available information, it is unclear whether this variant is a pathogenic mutation or a rare benign variant.